The following is an entry in ClinVar:

ClinVar aggregate classification (germline): Likely pathogenic (1 of 4 stars; one submission).

Conditions:
Wiedemann-Steiner syndrome (WDSTS). Also called: Growth deficiency and mental retardation with facial dysmorphism. Identifiers: Orphanet 319182, MedGen C1854630, MONDO:0011518, OMIM 605130.

Submission:

Genetics Laboratory, UDIAT-Centre Diagnòstic, Hospital Universitari Parc Tauli
Classification: Likely pathogenic for Wiedemann-Steiner syndrome. Last evaluated: 2025-03-31. Review status: criteria provided, single submitter. Criteria: ACMG Guidelines, 2015. Collection method: clinical testing. Allele origin: unknown. Inheritance: Autosomal dominant inheritance. Affected: yes.
Comment: PVS1_very strong;PM2_supporting

NM_001197104.2(KMT2A):c.9632del (p.Ser3211fs)

Gene: KMT2A (lysine methyltransferase 2A; plus strand). Cytogenetic location: 11q23.3.
Variant type: Deletion.
Coding change: c.9632del on transcript NM_001197104.2 (MANE Select); coding-DNA position 9632, one base deleted (G; older notation c.9632delG).
Protein change: p.Ser3211fs; shifts the reading frame from serine 3211.
Molecular consequence: frameshift variant.
Genome position (GRCh38, 1-based): chr11:118,505,524, G deleted. VCF-style (leftmost placement, unchanged base first): chr11-118505523-AG-A. GRCh37 (hg19) VCF-style: chr11-118376238-AG-A.
Other names: c.9722del, p.Ser3241fs (NM_001412597.1); c.9623del, p.Ser3208fs (NM_005933.4); short protein forms S3208fs, S3211fs, S3241fs.
Identifiers: ClinVar variation 3897595 (VCV003897595.1).
Genomic context (GRCh38, chr11:118,505,523, plus strand): 5'-GTTCAGCCTCCTCCGGATCCCCAACTTTTGGTTTCAGAATCCAGCCAGAGGACAGACCTC[AG>A]TACCACAGTAGCCACTCCATCCTCTGGACTCAAGAAAAGACCCATATCTCGTCTACAGAC-3'